The following is an entry in ClinVar:

NM_001563.4(IMPG1):c.454G>C (p.Asp152His)

Gene: IMPG1 (interphotoreceptor matrix proteoglycan 1; minus strand). Cytogenetic location: 6q14.1.
Variant type: single nucleotide variant.
Coding change: c.454G>C on transcript NM_001563.4 (MANE Select); coding-DNA position 454, G replaced by C.
Protein change: p.Asp152His; replaces aspartic acid 152 with histidine.
Molecular consequence: missense variant.
Genome position (GRCh38, 1-based): chr6:76,034,635, C>G on the plus strand (G>C on the coding strand, the complement: IMPG1 is on the minus strand). VCF-style: chr6-76034635-C-G. GRCh37 (hg19) VCF-style: chr6-76744352-C-G.
Other names: c.220G>C, p.Asp74His (NM_001282368.2); short protein forms D152H, D74H.
Identifiers: ClinVar variation 2131962 (VCV002131962.4), dbSNP rs2481526194, ClinGen allele CA364780322.

ClinVar aggregate classification (germline): Uncertain significance (1 of 4 stars; one submission).

Allele frequency attached by ClinVar (database versions not stated): gnomAD exomes below 0.00001.
gnomAD v4.1: 4 of 1,614,122 alleles (0.00025%); highest among the groups gnomAD compares: Non-Finnish European, 0.00034%; no homozygotes.

Submission:

Labcorp Genetics (formerly Invitae), Labcorp
Classification: Uncertain significance. Last evaluated: 2022-11-08. Review status: criteria provided, single submitter. Criteria: Invitae Variant Classification Sherloc (09022015). Collection method: clinical testing. Allele origin: germline.
Comment: This sequence change replaces aspartic acid, which is acidic and polar, with histidine, which is basic and polar, at codon 152 of the IMPG1 protein (p.Asp152His). This variant is not present in population databases (gnomAD no frequency). In summary, the available evidence is currently insufficient to determine the role of this variant in disease. Therefore, it has been classified as a Variant of Uncertain Significance. Algorithms developed to predict the effect of missense changes on protein structure and function are either unavailable or do not agree on the potential impact of this missense change (SIFT: "Deleterious"; PolyPhen-2: "Probably Damaging"; Align-GVGD: "Class C0"). This variant has not been reported in the literature in individuals affected with IMPG1-related conditions.